The following is an entry in ClinVar:

ClinVar aggregate classification (germline): Pathogenic. Review status: criteria provided, single submitter (1 of 4 stars). 2 submissions from 2 submitters: Pathogenic (1). 1 of the submissions does not count toward it. Last evaluated 2024-05-31.

Conditions:
Anterior segment dysgenesis. Also called: Ocular anterior segment dysgenesis. Identifiers: Orphanet 88632, MedGen C1862839, MONDO:0019503, HP:0007700.

Allele frequency attached by ClinVar (database versions not stated): gnomAD exomes 0.00001; TOPMed 0.00003; ESP Exome Variant Server 0.00008.
gnomAD v4.1: 19 of 1,614,114 alleles (0.0012%); highest among the groups gnomAD compares: Non-Finnish European, 0.0015%; no homozygotes.

Submissions (2):

Labcorp Genetics (formerly Invitae), Labcorp
Classification: Pathogenic. Last evaluated: 2024-05-31. Review status: criteria provided, single submitter. Criteria: Invitae Variant Classification Sherloc (09022015). Collection method: clinical testing. Allele origin: germline.
Comment: This sequence change creates a premature translational stop signal (p.Arg176*) in the ADAMTS17 gene. It is expected to result in an absent or disrupted protein product. Loss-of-function variants in ADAMTS17 are known to be pathogenic (PMID: 19836009, 24940034). This variant is present in population databases (rs369489185, gnomAD 0.007%). This premature translational stop signal has been observed in individual(s) with anterior segment disorder (PMID: 32499604). ClinVar contains an entry for this variant (Variation ID: 932287). For these reasons, this variant has been classified as Pathogenic.

Eye Genetics Research Group, Children's Medical Research Institute
Classification: Pathogenic for Anterior segment dysgenesis. Last evaluated: 2020-03-31. Review status: no assertion criteria provided. Collection method: clinical testing. Allele origin: biparental. Affected: yes. Not counted in ClinVar's aggregate classification.

Literature cited by the submitters: PubMed 19836009 (cited by Labcorp Genetics (formerly Invitae), Labcorp); PubMed 24940034 (cited by Labcorp Genetics (formerly Invitae), Labcorp); PubMed 32499604 (cited by Labcorp Genetics (formerly Invitae), Labcorp and Eye Genetics Research Group, Children's Medical Research Institute).

NM_139057.4(ADAMTS17):c.526C>T (p.Arg176Ter)

Gene: ADAMTS17 (ADAM metallopeptidase with thrombospondin type 1 motif 17; minus strand). Cytogenetic location: 15q26.3.
Variant type: single nucleotide variant.
Coding change: c.526C>T on transcript NM_139057.4 (MANE Select); coding-DNA position 526, C replaced by T.
Protein change: p.Arg176Ter; replaces arginine 176 with a stop codon.
Molecular consequence: nonsense.
Genome position (GRCh38, 1-based): chr15:100,330,979, G>A on the plus strand (C>T on the coding strand, the complement: ADAMTS17 is on the minus strand). VCF-style: chr15-100330979-G-A. GRCh37 (hg19) VCF-style: chr15-100871184-G-A.
Other names: short protein forms R176*.
Identifiers: ClinVar variation 932287 (VCV000932287.6), dbSNP rs369489185, ClinGen allele CA7758705.